The following is an entry in ClinVar:

ClinVar aggregate classification (germline): Uncertain significance (1 of 4 stars; one submission).

Conditions:
Inborn genetic diseases. Identifiers: MedGen C0950123, MeSH D030342.

gnomAD v4.1: 1 of 1,614,086 alleles (0.000062%); highest among the groups gnomAD compares: Non-Finnish European, 0.000085%; no homozygotes.

Submission:

Ambry Genetics
Classification: Uncertain significance for Inborn genetic diseases. Last evaluated: 2026-08-20. Review status: criteria provided, single submitter. Criteria: Ambry Variant Classification Scheme 2023. Collection method: clinical testing. Allele origin: germline.
Comment: The p.L149F variant (also known as c.445C>T), located in coding exon 4 of the FANCG gene, results from a C to T substitution at nucleotide position 445. The leucine at codon 149 is replaced by phenylalanine, an amino acid with highly similar properties. This amino acid position is conserved. In addition, this alteration is predicted to be tolerated by in silico analysis. Based on the available evidence, the clinical significance of this variant remains unclear.

NM_004629.2(FANCG):c.445C>T (p.Leu149Phe)

Gene: FANCG (FA complementation group G; minus strand). Cytogenetic location: 9p13.3.
Variant type: single nucleotide variant.
Coding change: c.445C>T on transcript NM_004629.2 (MANE Select); coding-DNA position 445, C replaced by T.
Protein change: p.Leu149Phe; replaces leucine 149 with phenylalanine.
Molecular consequence: missense variant.
Genome position (GRCh38, 1-based): chr9:35,078,206, G>A on the plus strand (C>T on the coding strand, the complement: FANCG is on the minus strand). VCF-style: chr9-35078206-G-A. GRCh37 (hg19) VCF-style: chr9-35078203-G-A.
Other names: short protein forms L149F.
Identifiers: ClinVar variation 5036535 (VCV005036535.1).